The following is an entry in ClinVar:

NM_001365951.3(KIF1B):c.4383A>T (p.Arg1461Ser)

Gene: KIF1B (kinesin family member 1B; plus strand). Cytogenetic location: 1p36.22.
Variant type: single nucleotide variant.
Coding change: c.4383A>T on transcript NM_001365951.3 (MANE Select); coding-DNA position 4383, A replaced by T.
Protein change: p.Arg1461Ser; replaces arginine 1461 with serine.
Molecular consequence: missense variant.
Genome position (GRCh38, 1-based): chr1:10,365,116, A>T. VCF-style: chr1-10365116-A-T. GRCh37 (hg19) VCF-style: chr1-10425174-A-T.
Other names: c.4383A>T, p.Arg1461Ser (NM_001365952.1); c.4245A>T, p.Arg1415Ser (NM_015074.3); short protein forms R1415S, R1461S.
Identifiers: ClinVar variation 3226495 (VCV003226495.1), dbSNP rs2521910979, ClinGen allele CA338320050.

ClinVar aggregate classification (germline): Uncertain significance (1 of 4 stars; one submission).

Submission:

Ambry Genetics
Classification: Uncertain significance. Last evaluated: 2023-12-23. Review status: criteria provided, single submitter. Criteria: Ambry Variant Classification Scheme 2023. Collection method: clinical testing. Allele origin: germline.
Comment: The p.R1415S variant (also known as c.4245A>T), located in coding exon 39 of the KIF1B gene, results from an A to T substitution at nucleotide position 4245. The arginine at codon 1415 is replaced by serine, an amino acid with dissimilar properties. This amino acid position is conserved. In addition, the in silico prediction for this alteration is inconclusive. Since supporting evidence is limited at this time, the clinical significance of this alteration remains unclear.